The following is an entry in ClinVar:

ClinVar aggregate classification (germline): Uncertain significance (1 of 4 stars; one submission).

Conditions:
TSHZ3-related disorder. Also called: TSHZ3-related condition.

gnomAD v4.1: 48 of 1,614,074 alleles (0.003%); highest among the groups gnomAD compares: South Asian, 0.041%; no homozygotes.

Submission:

PreventionGenetics, part of Exact Sciences
Classification: Uncertain significance for TSHZ3-related condition. Last evaluated: 2025-02-21. Review status: criteria provided, single submitter. Criteria: ACMG Guidelines, 2015. Collection method: clinical testing. Allele origin: germline.
Comment: The TSHZ3 c.925G>A variant is predicted to result in the amino acid substitution p.Val309Ile. To our knowledge, this variant has not been reported in the literature. This variant is reported in 0.042% of alleles in individuals of South Asian descent in gnomAD. At this time, the clinical significance of this variant is uncertain due to the absence of conclusive functional and genetic evidence.

NM_020856.4(TSHZ3):c.925G>A (p.Val309Ile)

Gene: TSHZ3 (teashirt zinc finger homeobox 3; minus strand). Cytogenetic location: 19q12.
Variant type: single nucleotide variant.
Coding change: c.925G>A on transcript NM_020856.4 (MANE Select); coding-DNA position 925, G replaced by A.
Protein change: p.Val309Ile; replaces valine 309 with isoleucine.
Molecular consequence: missense variant.
Genome position (GRCh38, 1-based): chr19:31,278,868, C>T on the plus strand (G>A on the coding strand, the complement: TSHZ3 is on the minus strand). VCF-style: chr19-31278868-C-T. GRCh37 (hg19) VCF-style: chr19-31769774-C-T.
Other names: short protein forms V309I.
Identifiers: ClinVar variation 4985727 (VCV004985727.1).
Genomic context (GRCh38, chr19:31,278,868, plus strand): 5'-CCAGCTCCAGGGAAGCTTTCTTCCGAGTGGCAGGGATGATTTTGGCGGCGACAGGAGTGA[C>T]GGGTTCCTTCAGAGGCACTTTTTGGTAGTGTTTTGTTTTGATCATATGGACACTCAAATC-3'
Protein context (NP_065907.2, residues 299-319): HYQKVPLKEP[Val309Ile]TPVAAKIIPA